The following is an entry in ClinVar:

NM_016004.5(IFT52):c.208-3T>A

Gene: IFT52 (intraflagellar transport 52; plus strand). Cytogenetic location: 20q13.12.
Variant type: single nucleotide variant.
Coding change: c.208-3T>A on transcript NM_016004.5 (MANE Select); 3 bases into the intron before coding-DNA position 208, T replaced by A.
Molecular consequence: intron variant.
Genome position (GRCh38, 1-based): chr20:43,603,757, T>A. VCF-style: chr20-43603757-T-A. GRCh37 (hg19) VCF-style: chr20-42232397-T-A.
Other names: NC_000020.10:g.42232397T>A; c.-464-3T>A (NM_001323578.2, NM_001323580.2); c.-557-3T>A (NM_001323579.2, NM_001323581.2); c.208-3T>A (NM_001303458.3, NM_001303459.3).
Identifiers: ClinVar variation 1313228 (VCV001313228.3), dbSNP rs1208428254, ClinGen allele CA2573054868.

ClinVar aggregate classification (germline): Uncertain significance (1 of 4 stars; one submission).

Submissions (2):

GeneDx
Classification: Uncertain significance. Last evaluated: 2020-10-09. Review status: criteria provided, single submitter. Criteria: GeneDx Variant Classification Process June 2021. Collection method: clinical testing. Allele origin: germline. Affected: yes.
Comment: Not observed in large population cohorts (Lek et al., 2016); Has not been previously published as pathogenic or benign to our knowledge

Dr. Peter K. Rogan Lab, Western University
No classification provided (evidence only). Condition: Ovarian serous cystadenocarcinoma. Review status: no classification provided. Collection method: in vitro. Allele origin: not applicable. Functional consequence: retained intron. Not counted in ClinVar's aggregate classification.